The following is an entry in ClinVar:

NM_024642.5(GALNT12):c.369G>T (p.Pro123=)

Gene: GALNT12 (polypeptide N-acetylgalactosaminyltransferase 12; plus strand). Cytogenetic location: 9q22.33.
Variant type: single nucleotide variant.
Coding change: c.369G>T on transcript NM_024642.5 (MANE Select); coding-DNA position 369, G replaced by T.
Protein change: p.Pro123=; no amino-acid change (proline 123 retained).
Molecular consequence: synonymous variant.
Genome position (GRCh38, 1-based): chr9:98,808,067, G>T. VCF-style: chr9-98808067-G-T. GRCh37 (hg19) VCF-style: chr9-101570349-G-T.
Other names: c.369G>T (NM_024642.4).
Identifiers: ClinVar variation 2141878 (VCV002141878.8), dbSNP rs1296776010, ClinGen allele CA466647754.

ClinVar aggregate classification (germline): Benign/Likely benign. Review status: criteria provided, multiple submitters, no conflicts (2 of 4 stars). 4 submissions from 4 submitters: Benign (1); Likely benign (3). Last evaluated 2026-04-23.

Conditions:
Colorectal cancer, susceptibility to, 1. Also called: COLORECTAL ADENOMA AND CANCER, SUSCEPTIBILITY TO; COLORECTAL CANCER, SUSCEPTIBILITY TO, ON CHROMOSOME 9. Identifiers: MedGen C1837315, MONDO:0012132, OMIM 608812.

Submissions (4):

Myriad Genetics, Inc.
Classification: Benign for Colorectal cancer, susceptibility to, 1. Last evaluated: 2026-04-23. Review status: criteria provided, single submitter. Criteria: Myriad Autosomal Dominant, Autosomal Recessive and X-Linked Classification Criteria (2023). Collection method: clinical testing. Allele origin: unknown.
Comment: This variant is considered benign. This variant is a silent/synonymous amino acid change and it is not expected to impact splicing.

Quest Diagnostics Nichols Institute San Juan Capistrano
Classification: Likely benign. Last evaluated: 2025-04-30. Review status: criteria provided, single submitter. Criteria: Quest Diagnostics criteria. Collection method: clinical testing. Allele origin: unknown.

Ambry Genetics
Classification: Likely benign. Last evaluated: 2023-08-25. Review status: criteria provided, single submitter. Criteria: Ambry Variant Classification Scheme 2023. Collection method: clinical testing. Allele origin: germline.

Labcorp Genetics (formerly Invitae), Labcorp
Classification: Likely benign. Last evaluated: 2022-05-19. Review status: criteria provided, single submitter. Criteria: Invitae Variant Classification Sherloc (09022015). Collection method: clinical testing. Allele origin: germline.